The following is an entry in ClinVar:

ClinVar aggregate classification (germline): Uncertain significance (1 of 4 stars; one submission).

Conditions:
Aicardi-Goutieres syndrome 2. Identifiers: Orphanet 51, MedGen C3489724, MONDO:0012429, OMIM 610181.

Allele frequency attached by ClinVar (database versions not stated): gnomAD exomes below 0.00001; TOPMed below 0.00001; gnomAD 0.00001.
gnomAD v4.1: 5 of 1,460,250 alleles (0.00034%); highest among the groups gnomAD compares: Admixed American, 0.0026%; no homozygotes.

Submission:

Labcorp Genetics (formerly Invitae), Labcorp
Classification: Uncertain significance for Aicardi-Goutieres syndrome 2. Last evaluated: 2022-08-13. Review status: criteria provided, single submitter. Criteria: Invitae Variant Classification Sherloc (09022015). Collection method: clinical testing. Allele origin: germline.
Comment: This sequence change replaces aspartic acid, which is acidic and polar, with valine, which is neutral and non-polar, at codon 9 of the RNASEH2B protein (p.Asp9Val). This variant is not present in population databases (gnomAD no frequency). This variant has not been reported in the literature in individuals affected with RNASEH2B-related conditions. Algorithms developed to predict the effect of missense changes on protein structure and function are either unavailable or do not agree on the potential impact of this missense change (SIFT: "Tolerated"; PolyPhen-2: "Not Available"; Align-GVGD: "Class C0"). In summary, the available evidence is currently insufficient to determine the role of this variant in disease. Therefore, it has been classified as a Variant of Uncertain Significance.

NM_024570.4(RNASEH2B):c.26A>T (p.Asp9Val)

Genes: RNASEH2B (ribonuclease H2 subunit B; plus strand), RNASEH2B-AS1 (RNASEH2B antisense RNA 1; minus strand), LOC130009810 (ATAC-STARR-seq lymphoblastoid silent region 5362; plus strand). Cytogenetic location: 13q14.3.
Variant type: single nucleotide variant.
Coding change: c.26A>T on transcript NM_024570.4 (MANE Select); coding-DNA position 26, A replaced by T.
Protein change: p.Asp9Val; replaces aspartic acid 9 with valine.
Molecular consequence: missense variant.
Genome position (GRCh38, 1-based): chr13:50,910,102, A>T. VCF-style: chr13-50910102-A-T. GRCh37 (hg19) VCF-style: chr13-51484238-A-T.
Other names: c.26A>T, p.Asp9Val (NM_001142279.2, NM_001411023.1); short protein forms D9V.
Identifiers: ClinVar variation 2106018 (VCV002106018.1), dbSNP rs929922905, ClinGen allele CA388258402.